The following is an entry in ClinVar:

NC_000010.10:g.(?_88603164)_(88651992_?)dup

Gene: BMPR1A (bone morphogenetic protein receptor type 1A; plus strand). Cytogenetic location: 10q23.2.
Variant type: Duplication.
Identifiers: ClinVar variation 1020166 (VCV001020166.8).

ClinVar aggregate classification (germline): Uncertain significance (1 of 4 stars; one submission).

Conditions:
Juvenile polyposis syndrome (JPS). Identifiers: Orphanet 2929, MedGen C0345893, MONDO:0017380, OMIM 174900.

Submission:

Labcorp Genetics (formerly Invitae), Labcorp
Classification: Uncertain significance for Juvenile polyposis syndrome. Last evaluated: 2015-12-25. Review status: criteria provided, single submitter. Criteria: Invitae Variant Classification Sherloc (09022015). Collection method: clinical testing. Allele origin: germline.
Comment: In summary, this is a novel duplication with uncertain impact on protein function. It has been classified as a Variant of Uncertain Significance. This variant has not been reported in the literature in individuals with a BMPR1A-related disease. This variant is a gross duplication of the genomic region encompassing exons 3-5 of the BMPR1A gene. The 3' boundary is likely confined to the intronic region between exons 5 and 6. The 5' end of this event is unknown as it extends beyond the assayed region for this gene and therefore may encompass additional genes.